The following is an entry in ClinVar:

NM_001148.6(ANK2):c.11700T>C (p.Thr3900=)

Gene: ANK2 (ankyrin 2; plus strand). Cytogenetic location: 4q26.
Variant type: single nucleotide variant.
Coding change: c.11700T>C on transcript NM_001148.6 (MANE Select); coding-DNA position 11700, T replaced by C.
Protein change: p.Thr3900=; no amino-acid change (threonine 3900 retained).
Molecular consequence: synonymous variant. On other transcripts: intron variant (9).
Genome position (GRCh38, 1-based): chr4:113,373,290, T>C. VCF-style: chr4-113373290-T-C. GRCh37 (hg19) VCF-style: chr4-114294446-T-C.
Other names: c.5418T>C, p.Thr1806= (NM_001127493.3); c.5457T>C, p.Thr1819= (NM_001354225.2); c.5439T>C, p.Thr1813= (NM_001354228.2); c.5424T>C, p.Thr1808= (NM_001354230.2); c.5580T>C, p.Thr1860= (NM_001354231.2); c.5574T>C, p.Thr1858= (NM_001354232.2); c.5535T>C, p.Thr1845= (NM_001354235.2); c.5343T>C, p.Thr1781= (NM_001354236.2); and 50 more.
Identifiers: ClinVar variation 2655043 (VCV002655043.24), dbSNP rs2154074426, ClinGen allele CA440839391.
Genomic context (GRCh38, chr4:113,373,290, plus strand): 5'-CAATTCCATGGTACTGTCACACAAAAATAAGATACACAAATGAAATACATTTCAGGTTAC[T>C]AGGAAAATCATTAGGCGGTATGTATCCTCTGAAGGCACAGAGAAAGAAGAGATTATGGTG-3'
Protein context (NP_001139.3, residues 3890-3910): EHGHTVVKKV[Thr3900=]RKIIRRYVSS

ClinVar aggregate classification (germline): Likely benign (1 of 4 stars; one submission).

Submission:

CeGaT Center for Human Genetics Tuebingen
Classification: Likely benign. Last evaluated: 2022-10-01. Review status: criteria provided, single submitter. Criteria: CeGaT Center For Human Genetics Tuebingen Variant Classification Criteria Version 2. Collection method: clinical testing. Allele origin: germline. Affected: yes. Observed: 1 variant allele.
Comment: ANK2: PM2:Supporting, BP4, BP7